The following is an entry in ClinVar:

NM_006231.4(POLE):c.2157G>T (p.Glu719Asp)

Gene: POLE (DNA polymerase epsilon, catalytic subunit; minus strand). Cytogenetic location: 12q24.33.
Variant type: single nucleotide variant.
Coding change: c.2157G>T on transcript NM_006231.4 (MANE Select); coding-DNA position 2157, G replaced by T.
Protein change: p.Glu719Asp; replaces glutamic acid 719 with aspartic acid.
Molecular consequence: missense variant.
Genome position (GRCh38, 1-based): chr12:132,668,372, C>A on the plus strand (G>T on the coding strand, the complement: POLE is on the minus strand). VCF-style: chr12-132668372-C-A. GRCh37 (hg19) VCF-style: chr12-133244958-C-A.
Other names: short protein forms E719D.
Identifiers: ClinVar variation 2695710 (VCV002695710.3), dbSNP rs2542096604, ClinGen allele CA387353584.
Genomic context (GRCh38, chr12:132,668,372, plus strand): 5'-CAGGAGCCACATCTTTACAGCCGTGACCATGCCCAGGCACTCACCCGCCAGCCTTCTCTT[C>A]TCGTATTTCGCCTGTTCCTCGCGGGACAGTTCATGAAAGGCCCGAGCTGGCCCCTCTGGG-3'
Protein context (NP_006222.2, residues 709-729): ELSREEQAKY[Glu719Asp]KRRLADYCRK

ClinVar aggregate classification (germline): Uncertain significance (1 of 4 stars; one submission).

Allele frequency attached by ClinVar (database versions not stated): gnomAD exomes below 0.00001.
gnomAD v4.1: 1 of 1,584,398 alleles (0.000063%); highest among the groups gnomAD compares: South Asian, 0.0011%; no homozygotes.

Submission:

Labcorp Genetics (formerly Invitae), Labcorp
Classification: Uncertain significance. Last evaluated: 2023-11-14. Review status: criteria provided, single submitter. Criteria: Invitae Variant Classification Sherloc (09022015). Collection method: clinical testing. Allele origin: germline.
Comment: This sequence change replaces glutamic acid, which is acidic and polar, with aspartic acid, which is acidic and polar, at codon 719 of the POLE protein (p.Glu719Asp). This variant is not present in population databases (gnomAD no frequency). This variant has not been reported in the literature in individuals affected with POLE-related conditions. Advanced modeling of protein sequence and biophysical properties (such as structural, functional, and spatial information, amino acid conservation, physicochemical variation, residue mobility, and thermodynamic stability) performed at Invitae indicates that this missense variant is expected to disrupt POLE protein function with a positive predictive value of 80%. In summary, the available evidence is currently insufficient to determine the role of this variant in disease. Therefore, it has been classified as a Variant of Uncertain Significance.